The following is an entry in ClinVar:

ClinVar aggregate classification (germline): Uncertain significance (1 of 4 stars; one submission).

Conditions:
Nemaline myopathy 2 (NEM2). Also called: Nemaline myopathy 2, autosomal recessive. Identifiers: MedGen C1850569, MONDO:0009725, OMIM 256030.

Submission:

Labcorp Genetics (formerly Invitae), Labcorp
Classification: Uncertain significance for Nemaline myopathy 2. Last evaluated: 2019-10-03. Review status: criteria provided, single submitter. Criteria: Invitae Variant Classification Sherloc (09022015). Collection method: clinical testing. Allele origin: germline.
Comment: This variant has not been reported in the literature in individuals with NEB-related conditions. This variant is not present in population databases (ExAC no frequency). This sequence change replaces isoleucine with methionine at codon 147 of the NEB protein (p.Ile147Met). The isoleucine residue is highly conserved and there is a small physicochemical difference between isoleucine and methionine. In summary, the available evidence is currently insufficient to determine the role of this variant in disease. Therefore, it has been classified as a Variant of Uncertain Significance. Algorithms developed to predict the effect of missense changes on protein structure and function are either unavailable or do not agree on the potential impact of this missense change (SIFT: "Deleterious"; PolyPhen-2: "Not Available"; Align-GVGD: "Class C0").

NM_001164508.2(NEB):c.441A>G (p.Ile147Met)

Gene: NEB (nebulin; minus strand). Cytogenetic location: 2q23.3.
Variant type: single nucleotide variant.
Coding change: c.441A>G on transcript NM_001164508.2 (MANE Select); coding-DNA position 441, A replaced by G.
Protein change: p.Ile147Met; replaces isoleucine 147 with methionine.
Molecular consequence: missense variant.
Genome position (GRCh38, 1-based): chr2:151,724,923, T>C on the plus strand (A>G on the coding strand, the complement: NEB is on the minus strand). VCF-style: chr2-151724923-T-C. GRCh37 (hg19) VCF-style: chr2-152581437-T-C.
Other names: c.441A>G, p.Ile147Met (NM_001164507.2, NM_001271208.2, NM_004543.5); short protein forms I147M.
Identifiers: ClinVar variation 966963 (VCV000966963.9), dbSNP rs2099785798, ClinGen allele CA348792793.